The following is an entry in ClinVar:

NM_012144.4(DNAI1):c.1265_1267del (p.Phe422del)

Gene: DNAI1 (dynein axonemal intermediate chain 1; plus strand). Cytogenetic location: 9p13.3.
Variant type: Deletion.
Coding change: c.1265_1267del on transcript NM_012144.4 (MANE Select); coding-DNA positions 1265 to 1267, 3 bases deleted (TCT; older notation c.1265_1267delTCT).
Protein change: p.Phe422del; deletes phenylalanine 422.
Molecular consequence: inframe deletion.
Genome position (GRCh38, 1-based): chr9:34,506,828-34,506,830, TCT deleted; deleting any 3 consecutive bases within chr9:34,506,826-34,506,830 gives the same sequence; the c. name uses the placement nearest the transcript's 3' end. VCF-style (leftmost placement, unchanged base first): chr9-34506825-CCTT-C. GRCh37 (hg19) VCF-style: chr9-34506823-CCTT-C.
Other names: c.1265_1267del (NM_012144.3); c.1277_1279del, p.Phe426del (NM_001281428.2); short protein forms F422del, F426del.
Identifiers: ClinVar variation 454827 (VCV000454827.40), dbSNP rs567346433, ClinGen allele CA5034331.

ClinVar aggregate classification (germline): Conflicting classifications of pathogenicity. Review status: criteria provided, conflicting classifications (1 of 4 stars). 6 submissions from 6 submitters: Uncertain significance (1); Likely benign (4). 1 of the submissions does not count toward it. Last evaluated 2026-01-27.

Conditions:
Primary ciliary dyskinesia. Also called: Ciliary dyskinesia. Identifiers: Orphanet 244, MedGen C0008780, MONDO:0016575, HP:0012265.
Kartagener syndrome (CILD1). Also called: IMMOTILE CILIA SYNDROME; CILIARY DYSKINESIA, PRIMARY, 1; SIEWERT SYNDROME; Dextrocardia bronchiectasis and sinusitis; CILIARY DYSKINESIA, PRIMARY, 1, WITH OR WITHOUT SITUS INVERSUS; POLYNESIAN BRONCHIECTASIS. Identifiers: Orphanet 244, MedGen C4551906, MONDO:0009484, OMIM 244400.

Submissions (6):

Labcorp Genetics (formerly Invitae), Labcorp
Classification: Likely benign for Primary ciliary dyskinesia. Last evaluated: 2026-01-27. Review status: criteria provided, single submitter. Criteria: Invitae Variant Classification Sherloc (09022015). Collection method: clinical testing. Allele origin: germline.

Blueprint Genetics
Classification: Likely benign. Last evaluated: 2024-09-16. Review status: criteria provided, single submitter. Criteria: ACMG Guidelines, 2015. Collection method: clinical testing. Allele origin: germline.

Ambry Genetics
Classification: Likely benign for Primary ciliary dyskinesia. Last evaluated: 2023-10-24. Review status: criteria provided, single submitter. Criteria: Ambry Variant Classification Scheme 2023. Collection method: clinical testing. Allele origin: germline.

CeGaT Center for Human Genetics Tuebingen
Classification: Likely benign. Last evaluated: 2023-06-01. Review status: criteria provided, single submitter. Criteria: CeGaT Center For Human Genetics Tuebingen Variant Classification Criteria Version 2. Collection method: clinical testing. Allele origin: germline. Affected: yes. Observed: 1 variant allele.
Comment: DNAI1: BS1

GeneDx
Classification: Uncertain significance. Last evaluated: 2023-06-01. Review status: criteria provided, single submitter. Criteria: GeneDx Variant Classification Process June 2021. Collection method: clinical testing. Allele origin: germline. Affected: yes.
Comment: Reported in association with PCD (Alsamri et al., 2021); In-frame deletion of 1 amino acid in a non-repeat region; In silico analysis supports a deleterious effect on protein structure/function; This variant is associated with the following publications: (PMID: 34768622)

Counsyl
Classification: Likely benign for Kartagener syndrome. Last evaluated: 2017-03-27. Review status: no assertion criteria provided. Collection method: clinical testing. Allele origin: unknown. Not counted in ClinVar's aggregate classification.